The following is an entry in ClinVar:

NM_001197104.2(KMT2A):c.658_662del (p.Lys220fs)

Gene: KMT2A (lysine methyltransferase 2A; plus strand). Cytogenetic location: 11q23.3.
Variant type: Deletion.
Coding change: c.658_662del on transcript NM_001197104.2 (MANE Select); coding-DNA positions 658 to 662, 5 bases deleted (AAGAA; older notation c.658_662delAAGAA).
Protein change: p.Lys220fs; shifts the reading frame from lysine 220.
Molecular consequence: frameshift variant.
Genome position (GRCh38, 1-based): chr11:118,471,817-118,471,821, AAGAA deleted; deleting any 5 consecutive bases within chr11:118,471,813-118,471,821 gives the same sequence; the c. name uses the placement nearest the transcript's 3' end. VCF-style (leftmost placement, unchanged base first): chr11-118471812-TAGAAA-T. GRCh37 (hg19) VCF-style: chr11-118342527-TAGAAA-T.
Other names: c.658_662del, p.Lys220fs (NM_005933.4); short protein forms K220fs.
Identifiers: ClinVar variation 1687356 (VCV001687356.1), dbSNP rs2134257719, ClinGen allele CA2573146934.

ClinVar aggregate classification (germline): Likely pathogenic (1 of 4 stars; one submission).

Conditions:
Wiedemann-Steiner syndrome (WDSTS). Also called: Growth deficiency and mental retardation with facial dysmorphism. Identifiers: Orphanet 319182, MedGen C1854630, MONDO:0011518, OMIM 605130.

Submission:

3billion
Classification: Likely pathogenic for Wiedemann-Steiner syndrome. Last evaluated: 2022-05-22. Review status: criteria provided, single submitter. Criteria: ACMG Guidelines, 2015. Collection method: clinical testing. Allele origin: germline. Affected: yes. Observed: 1 heterozygote.
Comment: The variant is not observed in the gnomAD v2.1.1 dataset. Frameshift: predicted to result in a loss or disruption of normal protein function through nonsense-mediated decay (NMD) or protein truncation. Multiple pathogenic variants are reported downstream of the variant. Therefore, this variant is classified as likely pathogenic according to the recommendation of ACMG/AMP guideline.